The following is an entry in ClinVar:

ClinVar aggregate classification (germline): Conflicting classifications of pathogenicity. Review status: criteria provided, conflicting classifications (1 of 4 stars). 4 submissions from 4 submitters: Likely pathogenic (3); Uncertain significance (1). Last evaluated 2026-03-30.

Conditions:
Autosomal recessive primary microcephaly. Identifiers: Orphanet 2512, MedGen C3711387, MONDO:0016660.
Microcephaly 5, primary, autosomal recessive (MCPH5). Also called: ASPM Primary Microcephaly. Identifiers: Orphanet 2512, MedGen C1837501, MONDO:0012106, OMIM 608716.

Allele frequency attached by ClinVar (database versions not stated): ExAC 0.00011; TOPMed 0.00012; gnomAD 0.00013 and 0.00014; gnomAD exomes 0.00014 and 0.00019; ESP Exome Variant Server 0.00015.
gnomAD v4.1: 295 of 1,595,804 alleles (0.018%); highest among the groups gnomAD compares: Non-Finnish European, 0.023%; no homozygotes.

Submissions (4):

GeneDx
Classification: Uncertain significance. Last evaluated: 2026-03-30. Review status: criteria provided, single submitter. Criteria: GeneDx Variant Classification Process June 2021. Collection method: clinical testing. Allele origin: germline. Affected: yes.
Comment: Canonical splice site variant predicted to result in an in-frame loss of the adjacent exon in a gene for which loss of function is a known mechanism of disease; This variant is associated with the following publications: (PMID: 31980526)

Labcorp Genetics (formerly Invitae), Labcorp
Classification: Likely pathogenic. Last evaluated: 2026-02-01. Review status: criteria provided, single submitter. Criteria: Invitae Variant Classification Sherloc (09022015). Collection method: clinical testing. Allele origin: germline.
Comment: This sequence change affects a donor splice site in intron 21 of the ASPM gene. It is expected to disrupt RNA splicing. Variants that disrupt the donor or acceptor splice site typically lead to a loss of protein function (PMID: 16199547), and loss-of-function variants in ASPM are known to be pathogenic (PMID: 19028728, 23611254). This variant is present in population databases (rs199503603, gnomAD 0.02%). This variant has not been reported in the literature in individuals affected with ASPM-related conditions. ClinVar contains an entry for this variant (Variation ID: 452686). Algorithms developed to predict the effect of sequence changes on RNA splicing suggest that this variant may disrupt the consensus splice site. In summary, the currently available evidence indicates that the variant is pathogenic, but additional data are needed to prove that conclusively. Therefore, this variant has been classified as Likely Pathogenic.

Women's Health and Genetics/Laboratory Corporation of America, LabCorp
Classification: Likely pathogenic for Autosomal recessive primary microcephaly. Last evaluated: 2022-10-01. Review status: criteria provided, single submitter. Criteria: LabCorp Variant Classification Summary - May 2015. Collection method: clinical testing. Allele origin: germline.
Comment: Variant summary: ASPM c.9294+2T>C is located in a canonical splice-site and is predicted to affect mRNA splicing resulting in a significantly altered protein due to either exon skipping, shortening, or inclusion of intronic material. Several computational tools predict a significant impact on normal splicing: Two predict the variant abolishes a canonical 5' splicing donor site and one predicts the variant weakens the same canonical 5' donor site. However, these predictions have yet to be confirmed by functional studies. The variant allele was found at a frequency of 0.00014 in 249512 control chromosomes (gnomAD). To our knowledge, no occurrence of c.9294+2T>C in individuals affected with Primary Autosomal Recessive Microcephaly and no experimental evidence demonstrating an impact on protein function has been reported. Two ClinVar submitters have assessed the variant since 2014: one classified the variant as likely pathogenic, and one as uncertain significance. Based on the evidence outlined above, the variant was classified as likely pathogenic.

Revvity Omics, Revvity
Classification: Likely pathogenic for Microcephaly 5, primary, autosomal recessive. Last evaluated: 2022-04-14. Review status: criteria provided, single submitter. Criteria: ACMG Guidelines, 2015. Collection method: clinical testing. Allele origin: germline.

Literature cited by the submitters: PubMed 16199547 (cited by Labcorp Genetics (formerly Invitae), Labcorp); PubMed 19028728 (cited by Labcorp Genetics (formerly Invitae), Labcorp); PubMed 23611254 (cited by Labcorp Genetics (formerly Invitae), Labcorp); PubMed 31980526 (cited by Women's Health and Genetics/Laboratory Corporation of America, LabCorp).

NM_018136.5(ASPM):c.9294+2T>C

Gene: ASPM (assembly factor for spindle microtubules; minus strand). Cytogenetic location: 1q31.3.
Variant type: single nucleotide variant.
Coding change: c.9294+2T>C on transcript NM_018136.5 (MANE Select); the canonical splice donor site of the intron after coding-DNA position 9294, T replaced by C.
Molecular consequence: splice donor variant.
Genome position (GRCh38, 1-based): chr1:197,093,050, A>G on the plus strand (T>C on the coding strand, the complement: ASPM is on the minus strand). VCF-style: chr1-197093050-A-G. GRCh37 (hg19) VCF-style: chr1-197062180-A-G.
Other names: c.4539+2T>C (NM_001206846.2).
Identifiers: ClinVar variation 452686 (VCV000452686.15), dbSNP rs199503603, ClinGen allele CA1308997.